The following is an entry in ClinVar:

NM_000059.4(BRCA2):c.4947A>C (p.Lys1649Asn)

Gene: BRCA2 (BRCA2 DNA repair associated; plus strand). Cytogenetic location: 13q13.1.
Variant type: single nucleotide variant.
Coding change: c.4947A>C on transcript NM_000059.4 (MANE Select); coding-DNA position 4947, A replaced by C.
Protein change: p.Lys1649Asn; replaces lysine 1649 with asparagine.
Molecular consequence: missense variant.
Genome position (GRCh38, 1-based): chr13:32,339,302, A>C. VCF-style: chr13-32339302-A-C. GRCh37 (hg19) VCF-style: chr13-32913439-A-C.
Other names: c.4947A>C, p.Lys1649Asn (NM_001406719.1, NM_001406720.1); short protein forms K1649N.
Identifiers: ClinVar variation 1744299 (VCV001744299.4), dbSNP rs2137511966, ClinGen allele CA387783737.

ClinVar aggregate classification (germline): Conflicting classifications of pathogenicity. Review status: criteria provided, conflicting classifications (1 of 4 stars). 2 submissions from 2 submitters: Uncertain significance (1); Likely benign (1). Last evaluated 2023-03-23.

Conditions:
Hereditary cancer-predisposing syndrome. Also called: Hereditary Cancer Syndrome; Neoplastic Syndromes, Hereditary; Tumor predisposition; Hereditary neoplastic syndrome. Identifiers: Orphanet 140162, MedGen C0027672, MeSH D009386, MONDO:0015356.

Submissions (2):

University of Washington Department of Laboratory Medicine, University of Washington
Classification: Likely benign for Hereditary cancer-predisposing syndrome. Last evaluated: 2023-03-23. Review status: criteria provided, single submitter. Criteria: Dines et al. (Genet Med. 2020). Collection method: curation. Allele origin: germline.
Comment: Missense variant in a coldspot region where missense variants are very unlikely to be pathogenic (PMID:31911673).

BRCA2 exon 11 coldspot. Reclassification based on statistical prior probability.

Ambry Genetics
Classification: Uncertain significance for Hereditary cancer-predisposing syndrome. Last evaluated: 2022-03-23. Review status: criteria provided, single submitter. Criteria: Ambry Variant Classification Scheme 2023. Collection method: clinical testing. Allele origin: germline.
Comment: The p.K1649N variant (also known as c.4947A>C), located in coding exon 10 of the BRCA2 gene, results from an A to C substitution at nucleotide position 4947. The lysine at codon 1649 is replaced by asparagine, an amino acid with similar properties. This amino acid position is conserved. In addition, this alteration is predicted to be tolerated by in silico analysis. Since supporting evidence is limited at this time, the clinical significance of this alteration remains unclear.